The following is an entry in ClinVar:

NM_001106.4(ACVR2B):c.*3748G>T

Gene: ACVR2B (activin A receptor type 2B; plus strand). Cytogenetic location: 3p22.2.
Variant type: single nucleotide variant.
Coding change: c.*3748G>T on transcript NM_001106.4 (MANE Select); 3748 bases downstream of the stop codon, G replaced by T.
Molecular consequence: 3 prime UTR variant.
Genome position (GRCh38, 1-based): chr3:38,487,080, G>T. VCF-style: chr3-38487080-G-T. GRCh37 (hg19) VCF-style: chr3-38528571-G-T.
Identifiers: ClinVar variation 344982 (VCV000344982.5), dbSNP rs2169551, ClinGen allele CA10618267.

ClinVar aggregate classification (germline): Benign (1 of 4 stars; one submission).

Conditions:
Heterotaxy, visceral, 4, autosomal (HTX4). Identifiers: Orphanet 450, MedGen C3151057, MONDO:0013403, OMIM 613751.

Allele frequency attached by ClinVar (database versions not stated): gnomAD 0.01332 and 0.01409; TOPMed 0.01445; 1000 Genomes Project 0.01737; 1000 Genomes Project 30x 0.01921.
gnomAD v4.1: 2,006 of 152,660 alleles (1.3%); highest among the groups gnomAD compares: African/African-American, 4.5%; 38 homozygotes.

Submission:

Illumina Laboratory Services, Illumina
Classification: Benign for Heterotaxy, visceral, 4, autosomal. Last evaluated: 2018-01-13. Review status: criteria provided, single submitter. Criteria: ICSL Variant Classification Criteria 13 December 2019. Collection method: clinical testing. Allele origin: germline.
Comment: This variant was observed in the ICSL laboratory as part of a predisposition screen in an ostensibly healthy population. It had not been previously curated by ICSL or reported in the Human Gene Mutation Database (HGMD: prior to June 1st, 2018), and was therefore a candidate for classification through an automated scoring system. Utilizing variant allele frequency, disease prevalence and penetrance estimates, and inheritance mode, an automated score was calculated to assess if this variant is too frequent to cause the disease. Based on the score and internal cut-off values, a variant classified as benign is not then subjected to further curation. The score for this variant resulted in a classification of benign for this disease.